The following is an entry in ClinVar:

NM_032043.3(BRIP1):c.1229T>C (p.Val410Ala)

Gene: BRIP1 (BRCA1 interacting DNA helicase 1; minus strand). Cytogenetic location: 17q23.2.
Variant type: single nucleotide variant.
Coding change: c.1229T>C on transcript NM_032043.3 (MANE Select); coding-DNA position 1229, T replaced by C.
Protein change: p.Val410Ala; replaces valine 410 with alanine.
Molecular consequence: missense variant.
Genome position (GRCh38, 1-based): chr17:61,799,211, A>G on the plus strand (T>C on the coding strand, the complement: BRIP1 is on the minus strand). VCF-style: chr17-61799211-A-G. GRCh37 (hg19) VCF-style: chr17-59876572-A-G.
Other names: short protein forms V410A.
Identifiers: ClinVar variation 481650 (VCV000481650.7), dbSNP rs1315040357, ClinGen allele CA400483644.
Genomic context (GRCh38, chr17:61,799,211, plus strand): 5'-ATATTATTGTTGACCATACTATCTAGTTCATCCCGAGCAAACCGAAGCTGAACTTCTGTT[A>G]CACTGTAACTTGCTGATTCCCGAGCACAGTCCTCGATGTTATGAGCTTCATCTAAAATGA-3'
Protein context (NP_114432.2, residues 400-420): DCARESASYS[Val410Ala]TEVQLRFARD

ClinVar aggregate classification (germline): Uncertain significance. Review status: criteria provided, multiple submitters, no conflicts (2 of 4 stars). 2 submissions from 2 submitters: Uncertain significance (2). Last evaluated 2025-05-14.

Conditions:
Hereditary cancer-predisposing syndrome. Also called: Hereditary neoplastic syndrome; Neoplastic Syndromes, Hereditary; Tumor predisposition; Hereditary Cancer Syndrome. Identifiers: Orphanet 140162, MedGen C0027672, MeSH D009386, MONDO:0015356.
Fanconi anemia complementation group J. Also called: BRIP1-Related Fanconi Anemia. Identifiers: Orphanet 84, MedGen C1836860, MONDO:0012187, OMIM 609054.
Familial cancer of breast. Also called: BREAST CANCER, FAMILIAL; Hereditary breast cancer; hereditary breast carcinoma. Identifiers: Orphanet 227535, MedGen C0346153, MONDO:0016419, OMIM 114480. Disease mechanism: loss of function.

Allele frequency attached by ClinVar (database versions not stated): gnomAD 0.00001.
gnomAD v4.1: 1 of 1,613,414 alleles (0.000062%); highest among the groups gnomAD compares: Non-Finnish European, 0.000085%; no homozygotes.

Submissions (2):

Labcorp Genetics (formerly Invitae), Labcorp
Classification: Uncertain significance for Familial cancer of breast; Fanconi anemia complementation group J. Last evaluated: 2025-05-14. Review status: criteria provided, single submitter. Criteria: Invitae Variant Classification Sherloc (09022015). Collection method: clinical testing. Allele origin: germline.
Comment: This sequence change replaces valine, which is neutral and non-polar, with alanine, which is neutral and non-polar, at codon 410 of the BRIP1 protein (p.Val410Ala). This variant is present in population databases (no rsID available, gnomAD 0.0009%). This variant has not been reported in the literature in individuals affected with BRIP1-related conditions. ClinVar contains an entry for this variant (Variation ID: 481650). Invitae Evidence Modeling of protein sequence and biophysical properties (such as structural, functional, and spatial information, amino acid conservation, physicochemical variation, residue mobility, and thermodynamic stability) has been performed for this missense variant. However, the output from this modeling did not meet the statistical confidence thresholds required to predict the impact of this variant on BRIP1 protein function. In summary, the available evidence is currently insufficient to determine the role of this variant in disease. Therefore, it has been classified as a Variant of Uncertain Significance.

Ambry Genetics
Classification: Uncertain significance for Hereditary cancer-predisposing syndrome. Last evaluated: 2024-10-19. Review status: criteria provided, single submitter. Criteria: Ambry Variant Classification Scheme 2023. Collection method: clinical testing. Allele origin: germline.
Comment: The p.V410A variant (also known as c.1229T>C), located in coding exon 8 of the BRIP1 gene, results from a T to C substitution at nucleotide position 1229. The valine at codon 410 is replaced by alanine, an amino acid with similar properties. This amino acid position is poorly conserved in available vertebrate species. In addition, this alteration is predicted to be tolerated by in silico analysis. Since supporting evidence is limited at this time, the clinical significance of this alteration remains unclear.